The following is an entry in ClinVar:

NM_000088.4(COL1A1):c.313C>T (p.Gln105Ter)

Gene: COL1A1 (collagen type I alpha 1 chain; minus strand). Cytogenetic location: 17q21.33.
Variant type: single nucleotide variant.
Coding change: c.313C>T on transcript NM_000088.4 (MANE Select); coding-DNA position 313, C replaced by T.
Protein change: p.Gln105Ter; replaces glutamine 105 with a stop codon.
Molecular consequence: nonsense.
Genome position (GRCh38, 1-based): chr17:50,199,576, G>A on the plus strand (C>T on the coding strand, the complement: COL1A1 is on the minus strand). VCF-style: chr17-50199576-G-A. GRCh37 (hg19) VCF-style: chr17-48276937-G-A.
Other names: short protein forms Q105*.
Identifiers: ClinVar variation 2130658 (VCV002130658.7), dbSNP rs2509256204, ClinGen allele CA400227899.
Genomic context (GRCh38, chr17:50,199,576, plus strand): 5'-ACGGGCCGCGCAGGGGCAAAATTCGAGGGCAGGAGATTACCTCGACGCCGGTGGTTTCTT[G>A]GTCGGTGGGTGACTCTAGGGGACGAAGAGACGCGCGTTAGAGCCAAGGTTTGCTAATGCT-3'

ClinVar aggregate classification (germline): Pathogenic/Likely pathogenic. Review status: criteria provided, multiple submitters, no conflicts (2 of 4 stars). 2 submissions from 2 submitters: Pathogenic (1); Likely pathogenic (1). Last evaluated 2025-11-19.

Conditions:
Osteogenesis imperfecta type I (OI1). Also called: Lobstein's Disease; Osteogenesis imperfecta type 1; Classic Non-deforming Osteogenesis Imperfecta with Blue Sclerae; Lobstein disease; OI, TYPE I; OSTEOGENESIS IMPERFECTA TARDA. Identifiers: Orphanet 216796, Orphanet 666, MedGen C0023931, MONDO:0008146, OMIM 166200. Disease mechanism: loss of function.

Submissions (2):

Labcorp Genetics (formerly Invitae), Labcorp
Classification: Pathogenic for Osteogenesis imperfecta type I. Last evaluated: 2025-11-19. Review status: criteria provided, single submitter. Criteria: Invitae Variant Classification Sherloc (09022015). Collection method: clinical testing. Allele origin: germline.
Comment: This sequence change creates a premature translational stop signal (p.Gln105*) in the COL1A1 gene. It is expected to result in an absent or disrupted protein product. Loss-of-function variants in COL1A1 are known to be pathogenic (PMID: 7942841, 9295084, 9443882). This variant is not present in population databases (gnomAD no frequency). This variant has not been reported in the literature in individuals affected with COL1A1-related conditions. ClinVar contains an entry for this variant (Variation ID: 2130658). For these reasons, this variant has been classified as Pathogenic.

Revvity Omics, Revvity
Classification: Likely pathogenic. Last evaluated: 2022-12-12. Review status: criteria provided, single submitter. Criteria: ACMG Guidelines, 2015. Collection method: clinical testing. Allele origin: germline.

Literature cited by the submitters: PubMed 7942841 (cited by Labcorp Genetics (formerly Invitae), Labcorp); PubMed 9295084 (cited by Labcorp Genetics (formerly Invitae), Labcorp); PubMed 9443882 (cited by Labcorp Genetics (formerly Invitae), Labcorp).